The following is an entry in ClinVar:

ClinVar aggregate classification (germline): Uncertain significance. Review status: criteria provided, multiple submitters, no conflicts (2 of 4 stars). 3 submissions from 3 submitters: Uncertain significance (3). Last evaluated 2026-09-10.

Conditions:
Cognitive impairment - coarse facies - heart defects - obesity - pulmonary involvement - short stature - skeletal dysplasia syndrome. Also called: AFF4-Related CHOPS Syndrome; COGNITIVE IMPAIRMENT, COARSE FACIES, HEART DEFECTS, OBESITY, PULMONARY INVOLVEMENT, SHORT STATURE, AND SKELETAL DYSPLASIA; Chops syndrome. Identifiers: Orphanet 444077, MedGen C4085597, MONDO:0014609, OMIM 616368.
AFF4-related disorder. Also called: AFF4-related condition.

Allele frequency attached by ClinVar (database versions not stated): ExAC 0.00001; gnomAD exomes 0.00001 and 0.00002; gnomAD 0.00002; TOPMed 0.00002.
gnomAD v4.1: 36 of 1,613,860 alleles (0.0022%); highest among the groups gnomAD compares: Admixed American, 0.0067%; no homozygotes.

Submissions (3):

PreventionGenetics, part of Exact Sciences
Classification: Uncertain significance for AFF4-related condition. Last evaluated: 2026-09-10. Review status: criteria provided, single submitter. Criteria: ACMG Guidelines, 2015. Collection method: clinical testing. Allele origin: germline.
Comment: The AFF4 c.2005C>T variant is predicted to result in the amino acid substitution p.Pro669Ser. To our knowledge, this variant has not been reported in the literature. This variant is reported in 0.0018% of alleles in individuals of European (Non-Finnish) descent in gnomAD. At this time, the clinical significance of this variant is uncertain due to the absence of conclusive functional and genetic evidence.

Labcorp Genetics (formerly Invitae), Labcorp
Classification: Uncertain significance for Cognitive impairment - coarse facies - heart defects - obesity - pulmonary involvement - short stature - skeletal dysplasia syndrome. Last evaluated: 2025-08-04. Review status: criteria provided, single submitter. Criteria: Invitae Variant Classification Sherloc (09022015). Collection method: clinical testing. Allele origin: germline.
Comment: This sequence change replaces proline, which is neutral and non-polar, with serine, which is neutral and polar, at codon 669 of the AFF4 protein (p.Pro669Ser). This variant is present in population databases (rs749188155, gnomAD 0.0009%). This variant has not been reported in the literature in individuals affected with AFF4-related conditions. ClinVar contains an entry for this variant (Variation ID: 871553). Invitae Evidence Modeling of protein sequence and biophysical properties (such as structural, functional, and spatial information, amino acid conservation, physicochemical variation, residue mobility, and thermodynamic stability) indicates that this missense variant is not expected to disrupt AFF4 protein function with a negative predictive value of 80%. In summary, the available evidence is currently insufficient to determine the role of this variant in disease. Therefore, it has been classified as a Variant of Uncertain Significance.

CeGaT Center for Human Genetics Tuebingen
Classification: Uncertain significance. Last evaluated: 2019-11-01. Review status: criteria provided, single submitter. Criteria: CeGaT Center For Human Genetics Tuebingen Variant Classification Criteria Version 2. Collection method: clinical testing. Allele origin: germline. Affected: yes. Observed: 1 variant allele.

NM_014423.4(AFF4):c.2005C>T (p.Pro669Ser)

Gene: AFF4 (ALF transcription elongation factor 4; minus strand). Cytogenetic location: 5q31.1.
Variant type: single nucleotide variant.
Coding change: c.2005C>T on transcript NM_014423.4 (MANE Select); coding-DNA position 2005, C replaced by T.
Protein change: p.Pro669Ser; replaces proline 669 with serine.
Molecular consequence: missense variant.
Genome position (GRCh38, 1-based): chr5:132,896,625, G>A on the plus strand (C>T on the coding strand, the complement: AFF4 is on the minus strand). VCF-style: chr5-132896625-G-A. GRCh37 (hg19) VCF-style: chr5-132232317-G-A.
Other names: c.2005C>T (NM_014423.3); short protein forms P669S.
Identifiers: ClinVar variation 871553 (VCV000871553.43), dbSNP rs749188155, ClinGen allele CA3409015.
Genomic context (GRCh38, chr5:132,896,625, plus strand): 5'-GAAAAAAGCTATCTTCTTCCTCCACTGAGGAGGGTTTAACAGGAGTCCTATTGCTCTCGG[G>A]GTACTTAGGAGTTTGTGAGGAAGGAGGAAGGCTCTCACTTTCATCTGAATCTGAGGATGA-3'
Protein context (NP_055238.1, residues 659-679): LPPSSQTPKY[Pro669Ser]ESNRTPVKPS